The following is an entry in ClinVar:

NM_002074.5(GNB1):c.1007T>A (p.Leu336His)

Gene: GNB1 (G protein subunit beta 1; minus strand). Cytogenetic location: 1p36.33.
Variant type: single nucleotide variant.
Coding change: c.1007T>A on transcript NM_002074.5 (MANE Select); coding-DNA position 1007, T replaced by A.
Protein change: p.Leu336His; replaces leucine 336 with histidine.
Molecular consequence: missense variant.
Genome position (GRCh38, 1-based): chr1:1,787,347, A>T on the plus strand (T>A on the coding strand, the complement: GNB1 is on the minus strand). VCF-style: chr1-1787347-A-T. GRCh37 (hg19) VCF-style: chr1-1718786-A-T.
Other names: c.707T>A, p.Leu236His (NM_001282538.2); c.1007T>A, p.Leu336His (NM_001282539.2); short protein forms L236H, L336H.
Identifiers: ClinVar variation 1687407 (VCV001687407.1), dbSNP rs2100450838, ClinGen allele CA337902076.

ClinVar aggregate classification (germline): Uncertain significance (1 of 4 stars; one submission).

Conditions:
Intellectual developmental disorder, autosomal dominant 42. Also called: Intellectual disability, autosomal dominant 42; Global developmental delay-neuro-ophthalmological abnormalities-seizures-intellectual disability syndrome; GNB1 Encephalopathy. Identifiers: Orphanet 488613, MedGen C4310774, MONDO:0014855, OMIM 616973.

Submission:

3billion
Classification: Uncertain significance for Intellectual developmental disorder, autosomal dominant 42. Last evaluated: 2022-05-22. Review status: criteria provided, single submitter. Criteria: ACMG Guidelines, 2015. Collection method: clinical testing. Allele origin: germline. Affected: yes. Observed: 1 heterozygote.
Comment: The variant is not observed in the gnomAD v2.1.1 dataset. Missense changes are a common disease-causing mechanism. In silico tool predictions suggest damaging effect of the variant on gene or gene product (REVEL: 0.81; 3Cnet: 0.39). Therefore, this variant is classified as uncertain significanceaccording to the recommendation of ACMG/AMP guideline.